The following is an entry in ClinVar:

ClinVar aggregate classification (germline): Likely pathogenic (1 of 4 stars; one submission).

Conditions:
Familial partial lipodystrophy, Dunnigan type. Also called: Partial lipodystrophy, Dunnigan; LIPODYSTROPHY, FAMILIAL, OF LIMBS AND LOWER TRUNK; LIPODYSTROPHY, REVERSE PARTIAL. Identifiers: Orphanet 2348, MedGen C1720860, MONDO:0007906, OMIM 151660.

Allele frequency attached by ClinVar (database versions not stated): gnomAD exomes below 0.00001.
gnomAD v4.1: 2 of 1,611,746 alleles (0.00012%); highest among the groups gnomAD compares: Non-Finnish European, 0.00017%; no homozygotes.

Submission:

Institute of Human Genetics, University of Leipzig Medical Center
Classification: Likely pathogenic for Familial partial lipodystrophy, Dunnigan type. Last evaluated: 2025-12-03. Review status: criteria provided, single submitter. Criteria: ACMG Guidelines, 2015. Collection method: clinical testing. Allele origin: unknown. Inheritance: Autosomal dominant inheritance. Affected: yes.
Comment: Criteria applied: PVS1_STR,PM2_SUP,PP4

NM_170707.4(LMNA):c.1699-2A>G

Gene: LMNA (lamin A/C; plus strand). Cytogenetic location: 1q22.
Variant type: single nucleotide variant.
Coding change: c.1699-2A>G on transcript NM_170707.4 (MANE Select); the canonical splice acceptor site of the intron before coding-DNA position 1699, A replaced by G.
Molecular consequence: splice acceptor variant.
Genome position (GRCh38, 1-based): chr1:156,138,486, A>G. VCF-style: chr1-156138486-A-G. GRCh37 (hg19) VCF-style: chr1-156108277-A-G.
Other names: c.1699-2A>G (NM_001406983.1, NM_001406991.1, NM_001406985.1 and 1 more transcripts); c.1141-2A>G (NM_001406993.1, NM_001406995.1, NM_001406990.1 and 2 more transcripts); c.1075-2A>G (NM_001406999.1, NM_001407000.1, NM_001406994.1 and 1 more transcripts); c.1456-2A>G (NM_001406986.1, NM_001406987.1); c.1609-2A>G (NM_170708.4); c.1363-2A>G (NM_001406989.1, NM_001257374.3); c.1402-2A>G (NM_001406988.1).
Identifiers: ClinVar variation 1285503 (VCV001285503.2), dbSNP rs2102901069, ClinGen allele CA342826194.